The following is an entry in ClinVar:

NM_001199107.2(TBC1D24):c.650T>A (p.Phe217Tyr)

Gene: TBC1D24 (TBC1 domain family member 24; plus strand). Cytogenetic location: 16p13.3.
Variant type: single nucleotide variant.
Coding change: c.650T>A on transcript NM_001199107.2 (MANE Select); coding-DNA position 650, T replaced by A.
Protein change: p.Phe217Tyr; replaces phenylalanine 217 with tyrosine.
Molecular consequence: missense variant.
Genome position (GRCh38, 1-based): chr16:2,496,798, T>A. VCF-style: chr16-2496798-T-A. GRCh37 (hg19) VCF-style: chr16-2546799-T-A.
Other names: c.650T>A, p.Phe217Tyr (NM_020705.3); c.650T>A (NM_001199107.1); short protein forms F217Y.
Identifiers: ClinVar variation 1350789 (VCV001350789.9), dbSNP rs1441237124, ClinGen allele CA394376829.
Genomic context (GRCh38, chr16:2,496,798, plus strand): 5'-TGATGGTGGCCGTGTCGGAGGATGTCCTGCAGGTCTATGCGGACTGGCAGCGCTGGCTGT[T>A]TGGGGAGCTGCCCCTCTGCTACTTCGCCCGGGTCTTTGACGTCTTCCTGGTGGAGGGCTA-3'
Protein context (NP_001186036.1, residues 207-227): QVYADWQRWL[Phe217Tyr]GELPLCYFAR

ClinVar aggregate classification (germline): Uncertain significance. Review status: criteria provided, multiple submitters, no conflicts (2 of 4 stars). 2 submissions from 2 submitters: Uncertain significance (2). Last evaluated 2026-04-06.

Conditions:
Inborn genetic diseases. Identifiers: MedGen C0950123, MeSH D030342.
Developmental and epileptic encephalopathy, 1 (DEE1). Also called: X-linked infantile spasms; West's syndrome; Tonic spasms with clustering, arrest of psychomotor development and hypsarrhythmia on EEG; X-Linked Infantile Spasm Syndrome; OHTAHARA SYNDROME, X-LINKED; INFANTILE SPASM SYNDROME, X-LINKED 1. Identifiers: MedGen C3463992, MONDO:0010632, OMIM 308350. Disease mechanism: loss of function.
Autosomal dominant nonsyndromic hearing loss 65. Also called: TBC1D24-Related Autosomal Dominant Nonsyndromic Hearing Loss (DFNA); Deafness, autosomal dominant 65. Identifiers: Orphanet 90635, MedGen C3892048, MONDO:0014470, OMIM 616044.

Allele frequency attached by ClinVar (database versions not stated): gnomAD exomes below 0.00001; TOPMed 0.00001.
gnomAD v4.1: 1 of 1,614,000 alleles (0.000062%); highest among the groups gnomAD compares: Non-Finnish European, 0.000085%; no homozygotes.

Submissions (2):

Ambry Genetics
Classification: Uncertain significance for Inborn genetic diseases. Last evaluated: 2026-04-06. Review status: criteria provided, single submitter. Criteria: Ambry Variant Classification Scheme 2023. Collection method: clinical testing. Allele origin: germline.

Labcorp Genetics (formerly Invitae), Labcorp
Classification: Uncertain significance for Developmental and epileptic encephalopathy, 1; Autosomal dominant nonsyndromic hearing loss 65. Last evaluated: 2023-10-26. Review status: criteria provided, single submitter. Criteria: Invitae Variant Classification Sherloc (09022015). Collection method: clinical testing. Allele origin: germline.
Comment: This sequence change replaces phenylalanine, which is neutral and non-polar, with tyrosine, which is neutral and polar, at codon 217 of the TBC1D24 protein (p.Phe217Tyr). This variant is not present in population databases (gnomAD no frequency). This variant has not been reported in the literature in individuals affected with TBC1D24-related conditions. ClinVar contains an entry for this variant (Variation ID: 1350789). Advanced modeling of protein sequence and biophysical properties (such as structural, functional, and spatial information, amino acid conservation, physicochemical variation, residue mobility, and thermodynamic stability) has been performed at Invitae for this missense variant, however the output from this modeling did not meet the statistical confidence thresholds required to predict the impact of this variant on TBC1D24 protein function. In summary, the available evidence is currently insufficient to determine the role of this variant in disease. Therefore, it has been classified as a Variant of Uncertain Significance.